The following is an entry in ClinVar:

ClinVar aggregate classification (germline): Uncertain significance (1 of 4 stars; one submission).

Conditions:
MOGS-congenital disorder of glycosylation. Also called: MOGS-CDG; CDG 2B; GLUCOSIDASE I DEFICIENCY; CDG IIb. Identifiers: Orphanet 79330, MedGen C1853736, MONDO:0011629, OMIM 606056.

Allele frequency attached by ClinVar (database versions not stated): ExAC 0.00002.
gnomAD v4.1: 3 of 1,614,094 alleles (0.00019%); highest among the groups gnomAD compares: South Asian, 0.0033%; no homozygotes.

Submission:

Labcorp Genetics (formerly Invitae), Labcorp
Classification: Uncertain significance for MOGS-congenital disorder of glycosylation. Last evaluated: 2022-07-23. Review status: criteria provided, single submitter. Criteria: Invitae Variant Classification Sherloc (09022015). Collection method: clinical testing. Allele origin: germline.
Comment: In summary, the available evidence is currently insufficient to determine the role of this variant in disease. Therefore, it has been classified as a Variant of Uncertain Significance. Algorithms developed to predict the effect of missense changes on protein structure and function (SIFT, PolyPhen-2, Align-GVGD) all suggest that this variant is likely to be tolerated. This variant has not been reported in the literature in individuals affected with MOGS-related conditions. This variant is present in population databases (rs751040193, gnomAD 0.006%). This sequence change replaces alanine, which is neutral and non-polar, with glycine, which is neutral and non-polar, at codon 624 of the MOGS protein (p.Ala624Gly).

NM_006302.3(MOGS):c.1871C>G (p.Ala624Gly)

Gene: MOGS (mannosyl-oligosaccharide glucosidase; minus strand). Cytogenetic location: 2p13.1.
Variant type: single nucleotide variant.
Coding change: c.1871C>G on transcript NM_006302.3 (MANE Select); coding-DNA position 1871, C replaced by G.
Protein change: p.Ala624Gly; replaces alanine 624 with glycine.
Molecular consequence: missense variant.
Genome position (GRCh38, 1-based): chr2:74,461,918, G>C on the plus strand (C>G on the coding strand, the complement: MOGS is on the minus strand). VCF-style: chr2-74461918-G-C. GRCh37 (hg19) VCF-style: chr2-74689045-G-C.
Other names: c.1553C>G, p.Ala518Gly (NM_001146158.2); short protein forms A518G, A624G.
Identifiers: ClinVar variation 1713418 (VCV001713418.6), dbSNP rs751040193, ClinGen allele CA1724705.